The following is an entry in ClinVar:

ClinVar aggregate classification (germline): Benign. Review status: reviewed by expert panel (3 of 4 stars). 4 submissions from 4 submitters: Benign (1). 3 of the submissions do not count toward it. Last evaluated 2015-01-12.

Conditions:
Hereditary cancer-predisposing syndrome. Also called: Neoplastic Syndromes, Hereditary; Hereditary Cancer Syndrome; Tumor predisposition; Hereditary neoplastic syndrome. Identifiers: Orphanet 140162, MedGen C0027672, MeSH D009386, MONDO:0015356.
Breast-ovarian cancer, familial, susceptibility to, 2 (BROVCA2). Also called: BRCA2 Hereditary Breast and Ovarian Cancer. Identifiers: Orphanet 145, MedGen C2675520, MONDO:0012933, OMIM 612555. Disease mechanism: loss of function.

Allele frequency attached by ClinVar (database versions not stated): 1000 Genomes Project 30x 0.53732; TOPMed 0.53955; 1000 Genomes Project 0.54433; gnomAD 0.54543 and 0.54610.
gnomAD v4.1: 82,821 of 152,070 alleles (54%); highest among the groups gnomAD compares: East Asian, 58%; 22,558 homozygotes.

Submissions (4):

Evidence-based Network for the Interpretation of Germline Mutant Alleles (ENIGMA)
Classification: Benign for Breast-ovarian cancer, familial 2. Last evaluated: 2015-01-12. Review status: reviewed by expert panel. Criteria: ENIGMA BRCA1/2 Classification Criteria (2015). Collection method: curation. Allele origin: germline.
Comment: Class 1 not pathogenic based on frequency >1% in an outbred sampleset. Frequency 0.5629 (Asian), 0.5467 (African), 0.5317 (European), derived from 1000 genomes (2012-04-30).

GeneDx
Classification: Benign. Last evaluated: 2018-07-09. Review status: criteria provided, single submitter. Criteria: GeneDx Variant Classification Process June 2021. Collection method: clinical testing. Allele origin: germline. Affected: yes. Not counted in ClinVar's aggregate classification.

Ambry Genetics
Classification: Benign for Hereditary cancer-predisposing syndrome. Last evaluated: 2014-11-19. Review status: criteria provided, single submitter. Criteria: Ambry Variant Classification Scheme 2023. Collection method: clinical testing. Allele origin: germline. Not counted in ClinVar's aggregate classification.

Breakthrough Genomics
Classification: Benign. Review status: criteria provided, single submitter. Criteria: ACMG Guidelines, 2015. Collection method: not provided. Allele origin: germline. Inheritance: Autosomal recessive inheritance. Affected: yes. Not counted in ClinVar's aggregate classification.

NM_000059.4(BRCA2):c.316+329A>G

Gene: BRCA2 (BRCA2 DNA repair associated; plus strand). Cytogenetic location: 13q13.1.
Variant type: single nucleotide variant.
Coding change: c.316+329A>G on transcript NM_000059.4 (MANE Select); 329 bases into the intron after coding-DNA position 316, A replaced by G.
Molecular consequence: intron variant.
Genome position (GRCh38, 1-based): chr13:32,319,654, A>G. VCF-style: chr13-32319654-A-G. GRCh37 (hg19) VCF-style: chr13-32893791-A-G.
Other names: IVS 3+329A>G.
Identifiers: ClinVar variation 209933 (VCV000209933.5), dbSNP rs9534174, ClinGen allele CA276900.
Genomic context (GRCh38, chr13:32,319,654, plus strand): 5'-TTATGCCAAAAAAACCTAGGACTTGTTTTGATGTTAATTAAACTAAACTATATTTCTGCA[A>G]GCTATCACAGAGGACAGAGATTATTTTACCGATATACTATAAGTATCATGATTTGGAAGG-3'